The following is an entry in ClinVar:

NC_000007.13:g.(117267825_117282491)_(117282648_117292895)del

Gene: CFTR (CF transmembrane conductance regulator; plus strand). Cytogenetic location: 7q31.2.
Variant type: Deletion.
Identifiers: ClinVar variation 3233852 (VCV003233852.2).

ClinVar aggregate classification (germline): Pathogenic (1 of 4 stars; one submission).

Conditions:
Cystic fibrosis (CF). Also called: MUCOVISCIDOSIS. Identifiers: Orphanet 586, MedGen C0010674, MONDO:0009061, OMIM 219700. Disease mechanism: loss of function.

Submission:

Women's Health and Genetics/Laboratory Corporation of America, LabCorp
Classification: Pathogenic for Cystic fibrosis. Last evaluated: 2024-03-20. Review status: criteria provided, single submitter. Criteria: LabCorp Variant Classification Summary - May 2015. Collection method: clinical testing. Allele origin: germline.
Comment: Variant summary: The variant involves the deletion of exon 23 in the CFTR gene. A presumed nomenclature of c.(3717+1_3718-1)_(3873+1_3874-1)del has been designated for the purposes of this classification. This Copy Number Variant (CNV) is predicted to result in an in-frame deletion within this gene. The variant was absent in 21694 control chromosomes (gnomAD, structural variants dataset). c.(3717+1_3718-1)_(3873+1_3874-1)del has been reported in the literature in individuals affected with Cystic Fibrosis (e.g. Ramos_2010, Shen_2022, Ahting_2023). These data indicate that the variant may be associated with disease. To our knowledge, no experimental evidence demonstrating an impact on protein function has been reported. However, multiple missense variants within the deleted region have been classified as pathogenic by our laboratory and others in ClinVar, indicating this region is important for CFTR function. The following publications have been ascertained in the context of this evaluation (PMID: 35858753, 20560922, 37867076, 31036917, 16493442). ClinVar contains an entry for this variant (Variation ID: 1067530). Based on the evidence outlined above, the variant was classified as pathogenic.

Literature cited by the submitters: PubMed 16493442; PubMed 20560922; PubMed 31036917; PubMed 35858753; PubMed 37867076.